The following is an entry in ClinVar:

ClinVar aggregate classification (germline): Conflicting classifications of pathogenicity. Review status: criteria provided, conflicting classifications (1 of 4 stars). 6 submissions from 6 submitters: Likely pathogenic (1); Uncertain significance (2). 3 of the submissions do not count toward it. Last evaluated 2025-12-01.

Conditions:
SLC2A9-related disorder. Also called: SLC2A9-related condition.
Hypouricemia, renal, 2. Also called: HYPOURICEMIA, RENAL, 2, AUTOSOMAL DOMINANT; HYPOURICEMIA, RENAL, 2, AUTOSOMAL RECESSIVE. Identifiers: MedGen C2677549, MONDO:0012793, OMIM 612076.

Allele frequency attached by ClinVar (database versions not stated): TOPMed below 0.00001; gnomAD 0.00013; gnomAD exomes 0.00030 and 0.00061; ExAC 0.00069; 1000 Genomes Project 30x 0.00078; 1000 Genomes Project 0.00100.
gnomAD v4.1: 441 of 1,614,168 alleles (0.027%); highest among the groups gnomAD compares: South Asian, 0.47%; 12 homozygotes.

Submissions (6):

Labcorp Genetics (formerly Invitae), Labcorp
Classification: Uncertain significance. Last evaluated: 2025-12-01. Review status: criteria provided, single submitter. Criteria: Invitae Variant Classification Sherloc (09022015). Collection method: clinical testing. Allele origin: germline.
Comment: This sequence change replaces glycine, which is neutral and non-polar, with arginine, which is basic and polar, at codon 216 of the SLC2A9 protein (p.Gly216Arg). This variant is present in population databases (rs561633150, gnomAD 0.5%), and has an allele count higher than expected for a pathogenic variant. This missense change has been observed in individual(s) with hypouricemia and/or renal hypouricemia (PMID: 22527535, 24397858, 34603806, 37761963, 38150892, 39421323). It has also been observed to segregate with disease in related individuals. ClinVar contains an entry for this variant (Variation ID: 1049499). An algorithm developed to predict the effect of missense changes on protein structure and function (PolyPhen-2) suggests that this variant is likely to be disruptive. Experimental studies have shown that this missense change affects SLC2A9 function (PMID: 26500098, 29967582). In summary, the available evidence is currently insufficient to determine the role of this variant in disease. Therefore, it has been classified as a Variant of Uncertain Significance.

Revvity Omics, Revvity
Classification: Likely pathogenic for Hypouricemia, renal, 2. Last evaluated: 2025-07-03. Review status: criteria provided, single submitter. Criteria: ACMG Guidelines, 2015. Collection method: clinical testing. Allele origin: germline.

Mendelics
Classification: Uncertain significance. Last evaluated: 2022-05-04. Review status: criteria provided, single submitter. Criteria: Mendelics Assertion Criteria 2019. Collection method: clinical testing. Allele origin: germline.

PreventionGenetics, part of Exact Sciences
Classification: Pathogenic for SLC2A9-related condition. Last evaluated: 2023-11-21. Review status: no assertion criteria provided. Collection method: clinical testing. Allele origin: germline. Not counted in ClinVar's aggregate classification.
Comment: The SLC2A9 c.646G>A variant is predicted to result in the amino acid substitution p.Gly216Arg. In the homozygous or compound heterozygous state, this variant has been reported to be pathogenic for autosomal recessive renal hypouricaemia due to decreased transport activity (Stiburkova et al. 2012. PubMed ID: 22527535; Jeannin et al. 2014. PubMed ID: 24397858; Ruiz et al. 2018. PubMed ID: 29967582; Maalouli et al. 2021. PubMed ID: 34603806). This variant is reported in 0.50% of alleles in individuals of South Asian descent in gnomAD. Of note, some individuals (such as the affected proband's siblings) with severe hypouricemia have been found to be homozygous for this variant, but clinically unaffected (see for example, Maalouli et al. 2021. PubMed ID: 34603806). This variant is interpreted as pathogenic.

Department of Pathology and Laboratory Medicine, Sinai Health System
Classification: Uncertain significance. Review status: no assertion criteria provided. Collection method: clinical testing. Allele origin: unknown. Affected: yes. Study: The Canadian Open Genetics Repository (COGR). Not counted in ClinVar's aggregate classification.
Comment: The SLC2A9 p.Gly187Arg variant was not identified in the literature nor was it identified in ClinVar or LOVD 3.0. The variant was identified in dbSNP (ID: rs561633150) and in control databases in 155 of 282076 chromosomes (2 homozygous) at a frequency of 0.0005495 increasing the likelihood this could be a low frequency benign variant (Genome Aggregation Database March 6, 2019, v2.1.1). The variant was observed in the following populations: South Asian in 153 of 30614 chromosomes (freq: 0.004998) and Other in 2 of 7202 chromosomes (freq: 0.000278), but was not observed in the African, Latino, Ashkenazi Jewish, East Asian, European (Finnish), and European (non-Finnish) populations. The p.Gly187 residue is conserved in mammals but not in more distantly related organisms, and four out of five computational analyses (PolyPhen-2, SIFT, AlignGVGD, BLOSUM, MutationTaster) suggest that the variant may impact the protein; however, this information is not predictive enough to assume pathogenicity. The variant occurs outside of the splicing consensus sequence and three of four in silico or computational prediction software programs (SpliceSiteFinder, MaxEntScan, NNSPLICE, GeneSplicer) predict a greater than 10% difference in splicing. However, this information is not predictive enough to assume pathogenicity. In summary, based on the above information the clinical significance of this variant cannot be determined with certainty at this time. This variant is classified as a variant of uncertain significance.

Felix Claverie-Martin Laboratory, Hospital Universitario Nuestra Senora de Candelaria
Classification: Pathogenic for Hypouricemia, renal, 2. Review status: no assertion criteria provided. Collection method: research. Allele origin: biparental. Inheritance: Autosomal recessive inheritance. Affected: yes. Observed: 1 homozygote. Not counted in ClinVar's aggregate classification.

Literature cited by the submitters: PubMed 22527535 (cited by Labcorp Genetics (formerly Invitae), Labcorp); PubMed 24397858 (cited by Labcorp Genetics (formerly Invitae), Labcorp); PubMed 34603806 (cited by Labcorp Genetics (formerly Invitae), Labcorp); PubMed 37761963 (cited by Labcorp Genetics (formerly Invitae), Labcorp); PubMed 38150892 (cited by Labcorp Genetics (formerly Invitae), Labcorp); PubMed 39421323 (cited by Labcorp Genetics (formerly Invitae), Labcorp); PubMed 26500098 (cited by Labcorp Genetics (formerly Invitae), Labcorp); PubMed 29967582 (cited by Labcorp Genetics (formerly Invitae), Labcorp); PubMed 21256783 (cited by Felix Claverie-Martin Laboratory, Hospital Universitario Nuestra Senora de Candelaria).

NM_020041.3(SLC2A9):c.646G>A (p.Gly216Arg)

Gene: SLC2A9 (solute carrier family 2 member 9; minus strand). Cytogenetic location: 4p16.1.
Variant type: single nucleotide variant.
Coding change: c.646G>A on transcript NM_020041.3 (MANE Select); coding-DNA position 646, G replaced by A.
Protein change: p.Gly216Arg; replaces glycine 216 with arginine.
Molecular consequence: missense variant.
Genome position (GRCh38, 1-based): chr4:9,980,627, C>T on the plus strand (G>A on the coding strand, the complement: SLC2A9 is on the minus strand). VCF-style: chr4-9980627-C-T. GRCh37 (hg19) VCF-style: chr4-9982251-C-T.
Other names: c.559G>A, p.Gly187Arg (NM_001001290.2); c.646G>A (NM_020041.2); short protein forms G187R, G216R.
Identifiers: ClinVar variation 1049499 (VCV001049499.7), dbSNP rs561633150, ClinGen allele CA2857159.
Genomic context (GRCh38, chr4:9,980,627, plus strand): 5'-CGGTTGACCAGGGAGCCACACTCACCTTTCCCAGCAGCTCGGGCAGGCCCAGAAGCTGCC[C>T]AGTGAACACGCCAATGCAGATAAAGATGGCAGTCACCTGCCCCAGAGAGCCACGGATCTC-3'
Protein context (NP_064425.2, residues 206-226): AIFICIGVFT[Gly216Arg]QLLGLPELLG